The following is an entry in ClinVar:

ClinVar aggregate classification (germline): Uncertain significance (1 of 4 stars; one submission).

Conditions:
Leigh syndrome (NULS). Also called: Leigh's necrotizing encephalopathy; Leigh's disease; Leigh Syndrome (mtDNA deletion); Leigh Disease; Subacute necrotizing encephalopathy; Necrotizing encephalopathy infantile subacute of Leigh. Identifiers: Orphanet 506, MedGen C2931891, MONDO:0009723, OMIM 256000.

Submission:

Wong Mito Lab, Molecular and Human Genetics, Baylor College of Medicine
Classification: Uncertain significance for Leigh syndrome. Last evaluated: 2019-10-17. Review status: criteria provided, single submitter. Criteria: Modified ACMG Guidelines (Unpublished). Collection method: clinical testing. Allele origin: germline.
Comment: The NC_012920.1:m.7650C>T (YP_003024029.1:p.Thr22Ile) variant in MTCO2 gene is interpretated to be a Uncertain Significance variant based on the modified ACMG guidelines (unpublished). This variant meets the following evidence codes: BP4

NC_012920.1(MT-CO2):m.7650C>T

Gene: MT-CO2 (mitochondrially encoded cytochrome c oxidase II; plus strand).
Variant type: single nucleotide variant.
Genome position: chrM-7650-C-T.
Identifiers: ClinVar variation 692754 (VCV000692754.1), dbSNP rs1603221063, ClinGen allele CA414793149.